The following is an entry in ClinVar:

NC_000003.12:g.81705614del

Gene: GBE1 (1,4-alpha-glucan branching enzyme 1; minus strand). Cytogenetic location: 3p12.2.
Variant type: Deletion.
Genome position: GRCh38 VCF-style: chr3-81705612-AC-A. GRCh37 (hg19) VCF-style: chr3-81754763-AC-A.
Identifiers: ClinVar variation 3759478 (VCV003759478.2).

ClinVar aggregate classification (germline): Pathogenic (1 of 4 stars; one submission).

Conditions:
Glycogen storage disease, type IV (GSD4). Also called: AMYLOPECTINOSIS; ANDERSEN DISEASE; BRANCHER DEFICIENCY; Glycogen storage disease due to glycogen branching enzyme deficiency; CIRRHOSIS, FAMILIAL, WITH DEPOSITION OF ABNORMAL GLYCOGEN; GBE1 DEFICIENCY. Identifiers: Orphanet 367, MedGen C0017923, MONDO:0009292, OMIM 232500.
Glycogen storage disease IV, classic hepatic. Also called: GSD IV, CLASSIC HEPATIC. Identifiers: MedGen C1856301.

Submission:

Labcorp Genetics (formerly Invitae), Labcorp
Classification: Pathogenic for Glycogen storage disease, type IV; Glycogen storage disease IV, classic hepatic. Last evaluated: 2024-10-16. Review status: criteria provided, single submitter. Criteria: Invitae Variant Classification Sherloc (09022015). Collection method: clinical testing. Allele origin: germline.
Comment: This sequence change creates a premature translational stop signal (p.Arg48Serfs*9) in the GBE1 gene. It is expected to result in an absent or disrupted protein product. Loss-of-function variants in GBE1 are known to be pathogenic (PMID: 15452297, 20058079). This variant is not present in population databases (gnomAD no frequency). This variant has not been reported in the literature in individuals affected with GBE1-related conditions. Algorithms developed to predict the effect of sequence changes on RNA splicing suggest that this variant may disrupt the consensus splice site. For these reasons, this variant has been classified as Pathogenic.

Literature cited by the submitters: PubMed 15452297; PubMed 20058079.